The following is an entry in ClinVar:

NM_001042750.2(STAG2):c.3410G>A (p.Ser1137Asn)

Gene: STAG2 (STAG2 cohesin complex component; plus strand). Cytogenetic location: Xq25.
Variant type: single nucleotide variant.
Coding change: c.3410G>A on transcript NM_001042750.2 (MANE Select); coding-DNA position 3410, G replaced by A.
Protein change: p.Ser1137Asn; replaces serine 1137 with asparagine.
Molecular consequence: missense variant.
Genome position (GRCh38, 1-based): chrX:124,090,707, G>A. VCF-style: chrX-124090707-G-A. GRCh37 (hg19) VCF-style: chrX-123224557-G-A.
Other names: c.3410G>A, p.Ser1137Asn (NM_001042749.2, NM_001042751.2, NM_001282418.2 and 13 more transcripts); short protein forms S1137N.
Identifiers: ClinVar variation 2796040 (VCV002796040.3), dbSNP rs2059236431, ClinGen allele CA414281523.

ClinVar aggregate classification (germline): Uncertain significance (1 of 4 stars; one submission).

Allele frequency attached by ClinVar (database versions not stated): gnomAD exomes 0.00001.
gnomAD v4.1: 9 of 1,211,672 alleles (0.00074%); highest among the groups gnomAD compares: Non-Finnish European, 0.001%; no homozygotes.

Submission:

Labcorp Genetics (formerly Invitae), Labcorp
Classification: Uncertain significance. Last evaluated: 2023-05-24. Review status: criteria provided, single submitter. Criteria: Invitae Variant Classification Sherloc (09022015). Collection method: clinical testing. Allele origin: germline.
Comment: This sequence change replaces serine, which is neutral and polar, with asparagine, which is neutral and polar, at codon 1137 of the STAG2 protein (p.Ser1137Asn). This variant is not present in population databases (gnomAD no frequency). In summary, the available evidence is currently insufficient to determine the role of this variant in disease. Therefore, it has been classified as a Variant of Uncertain Significance. Algorithms developed to predict the effect of missense changes on protein structure and function output the following: SIFT: "Not Available"; PolyPhen-2: "Benign"; Align-GVGD: "Not Available". The asparagine amino acid residue is found in multiple mammalian species, which suggests that this missense change does not adversely affect protein function. This variant has not been reported in the literature in individuals affected with STAG2-related conditions.